The following is an entry in ClinVar:

ClinVar aggregate classification (germline): Likely benign. Review status: criteria provided, multiple submitters, no conflicts (2 of 4 stars). 2 submissions from 2 submitters: Likely benign (2). Last evaluated 2023-08-27.

Conditions:
Congenital disorder of glycosylation, type Iaa. Also called: Congenital disorder of glycosylation, type 1aa. Identifiers: MedGen C4310727, MONDO:0014904, OMIM 617082.

Allele frequency attached by ClinVar (database versions not stated): gnomAD 0.00001; gnomAD exomes 0.00002.
gnomAD v4.1: 23 of 1,532,796 alleles (0.0015%); highest among the groups gnomAD compares: Non-Finnish European, 0.002%; no homozygotes.

Submissions (2):

Labcorp Genetics (formerly Invitae), Labcorp
Classification: Likely benign for Congenital disorder of glycosylation, type Iaa. Last evaluated: 2023-08-27. Review status: criteria provided, single submitter. Criteria: Invitae Variant Classification Sherloc (09022015). Collection method: clinical testing. Allele origin: germline.

CeGaT Center for Human Genetics Tuebingen
Classification: Likely benign. Last evaluated: 2022-10-01. Review status: criteria provided, single submitter. Criteria: CeGaT Center For Human Genetics Tuebingen Variant Classification Criteria Version 2. Collection method: clinical testing. Allele origin: germline. Affected: yes. Observed: 1 variant allele.
Comment: NUS1: BP4, BP7

NM_138459.5(NUS1):c.195C>T (p.Asn65=)

Gene: NUS1 (NUS1 dehydrodolichyl diphosphate synthase subunit; plus strand). Cytogenetic location: 6q22.1.
Variant type: single nucleotide variant.
Coding change: c.195C>T on transcript NM_138459.5 (MANE Select); coding-DNA position 195, C replaced by T.
Protein change: p.Asn65=; no amino-acid change (asparagine 65 retained).
Molecular consequence: synonymous variant.
Genome position (GRCh38, 1-based): chr6:117,675,865, C>T. VCF-style: chr6-117675865-C-T. GRCh37 (hg19) VCF-style: chr6-117997028-C-T.
Identifiers: ClinVar variation 2656879 (VCV002656879.27), dbSNP rs890763763, ClinGen allele CA146431385.